The following is an entry in ClinVar:

NM_015559.3(SETBP1):c.2276C>T (p.Pro759Leu)

Gene: SETBP1 (SET binding protein 1; plus strand). Cytogenetic location: 18q12.3.
Variant type: single nucleotide variant.
Coding change: c.2276C>T on transcript NM_015559.3 (MANE Select); coding-DNA position 2276, C replaced by T.
Protein change: p.Pro759Leu; replaces proline 759 with leucine.
Molecular consequence: missense variant.
Genome position (GRCh38, 1-based): chr18:44,951,616, C>T. VCF-style: chr18-44951616-C-T. GRCh37 (hg19) VCF-style: chr18-42531581-C-T.
Other names: c.2276C>T, p.Pro759Leu (NM_001379141.1, NM_001379142.1, NM_001410862.1); short protein forms P759L.
Identifiers: ClinVar variation 2878533 (VCV002878533.3), dbSNP rs1055551345, ClinGen allele CA299698375.
Genomic context (GRCh38, chr18:44,951,616, plus strand): 5'-CCGAAGAACCCAAAACAGCCATCAAGCACCCCAGGCCTGTTTCTAGCCAGCCGGATGTTC[C>T]AGCCGTGCCTTCCAACTTTCAGTCACTTGTGGCGTCTTCACCAGCAGCTATGCACCCACT-3'
Protein context (NP_056374.2, residues 749-769): PRPVSSQPDV[Pro759Leu]AVPSNFQSLV

ClinVar aggregate classification (germline): Uncertain significance (1 of 4 stars; one submission).

Allele frequency attached by ClinVar (database versions not stated): TOPMed below 0.00001; gnomAD 0.00001; gnomAD exomes 0.00001.
gnomAD v4.1: 12 of 1,614,072 alleles (0.00074%); highest among the groups gnomAD compares: Non-Finnish European, 0.00093%; no homozygotes.

Submission:

Labcorp Genetics (formerly Invitae), Labcorp
Classification: Uncertain significance. Last evaluated: 2023-07-14. Review status: criteria provided, single submitter. Criteria: Invitae Variant Classification Sherloc (09022015). Collection method: clinical testing. Allele origin: germline.
Comment: In summary, the available evidence is currently insufficient to determine the role of this variant in disease. Therefore, it has been classified as a Variant of Uncertain Significance. Advanced modeling of protein sequence and biophysical properties (such as structural, functional, and spatial information, amino acid conservation, physicochemical variation, residue mobility, and thermodynamic stability) performed at Invitae indicates that this missense variant is not expected to disrupt SETBP1 protein function. This variant has not been reported in the literature in individuals affected with SETBP1-related conditions. This variant is not present in population databases (gnomAD no frequency). This sequence change replaces proline, which is neutral and non-polar, with leucine, which is neutral and non-polar, at codon 759 of the SETBP1 protein (p.Pro759Leu).